The following is an entry in ClinVar:

NM_000492.4(CFTR):c.273+46T>G

Gene: CFTR (CF transmembrane conductance regulator; plus strand). Cytogenetic location: 7q31.2.
Variant type: single nucleotide variant.
Coding change: c.273+46T>G on transcript NM_000492.4 (MANE Select); 46 bases into the intron after coding-DNA position 273, T replaced by G.
Molecular consequence: intron variant.
Genome position (GRCh38, 1-based): chr7:117,509,188, T>G. VCF-style: chr7-117509188-T-G. GRCh37 (hg19) VCF-style: chr7-117149242-T-G.
Identifiers: ClinVar variation 818095 (VCV000818095.1), dbSNP rs1227927169, ClinGen allele CA915945469.

ClinVar aggregate classification (germline): Benign (1 of 4 stars; one submission).

Conditions:
Cystic fibrosis (CF). Also called: MUCOVISCIDOSIS. Identifiers: Orphanet 586, MedGen C0010674, MONDO:0009061, OMIM 219700. Disease mechanism: loss of function.

Submission:

CFTR-France
Classification: Benign for cystic fibrosis. Last evaluated: 2018-01-29. Review status: criteria provided, single submitter. Criteria: Claustres M et al. (Hum Mutat 2017). Collection method: curation. Allele origin: germline. Affected: no.
Comment: the variant does not result in CFTR-RD neither